The following is an entry in ClinVar:

ClinVar aggregate classification (germline): Uncertain significance. Review status: criteria provided, multiple submitters, no conflicts (2 of 4 stars). 2 submissions from 2 submitters: Uncertain significance (2). Last evaluated 2024-05-02.

Conditions:
Inborn genetic diseases. Identifiers: MedGen C0950123, MeSH D030342.

Allele frequency attached by ClinVar (database versions not stated): TOPMed 0.00007; ExAC 0.00009; gnomAD 0.00011; gnomAD exomes 0.00012.
gnomAD v4.1: 199 of 1,607,132 alleles (0.012%); highest among the groups gnomAD compares: Non-Finnish European, 0.015%; 1 homozygote.

Submissions (2):

Labcorp Genetics (formerly Invitae), Labcorp
Classification: Uncertain significance. Last evaluated: 2024-05-02. Review status: criteria provided, single submitter. Criteria: Invitae Variant Classification Sherloc (09022015). Collection method: clinical testing. Allele origin: germline.
Comment: This sequence change replaces glycine, which is neutral and non-polar, with serine, which is neutral and polar, at codon 636 of the TSPEAR protein (p.Gly636Ser). This variant is present in population databases (rs782367814, gnomAD 0.02%). This missense change has been observed in individual(s) with clinical features of ectodermal dysplasia (Invitae). In at least one individual the data is consistent with being in trans (on the opposite chromosome) from a pathogenic variant. ClinVar contains an entry for this variant (Variation ID: 2074348). Advanced modeling of protein sequence and biophysical properties (such as structural, functional, and spatial information, amino acid conservation, physicochemical variation, residue mobility, and thermodynamic stability) performed at Invitae indicates that this missense variant is not expected to disrupt TSPEAR protein function with a negative predictive value of 80%. In summary, the available evidence is currently insufficient to determine the role of this variant in disease. Therefore, it has been classified as a Variant of Uncertain Significance.

Ambry Genetics
Classification: Uncertain significance for Inborn genetic diseases. Last evaluated: 2024-01-09. Review status: criteria provided, single submitter. Criteria: Ambry Variant Classification Scheme 2023. Collection method: clinical testing. Allele origin: germline.

NM_144991.3(TSPEAR):c.1906G>A (p.Gly636Ser)

Gene: TSPEAR (thrombospondin type laminin G domain and EAR repeats; minus strand). Cytogenetic location: 21q22.3.
Variant type: single nucleotide variant.
Coding change: c.1906G>A on transcript NM_144991.3 (MANE Select); coding-DNA position 1906, G replaced by A.
Protein change: p.Gly636Ser; replaces glycine 636 with serine.
Molecular consequence: missense variant.
Genome position (GRCh38, 1-based): chr21:44,499,887, C>T on the plus strand (G>A on the coding strand, the complement: TSPEAR is on the minus strand). VCF-style: chr21-44499887-C-T. GRCh37 (hg19) VCF-style: chr21-45919770-C-T.
Other names: c.1702G>A, p.Gly568Ser (NM_001272037.2); c.1906G>A (NM_144991.2); short protein forms G568S, G636S.
Identifiers: ClinVar variation 2074348 (VCV002074348.4), dbSNP rs782367814, ClinGen allele CA10056261.